The following is an entry in ClinVar:

NM_018993.4(RIN2):c.1338G>C (p.Arg446=)

Gene: RIN2 (Ras and Rab interactor 2; plus strand). Cytogenetic location: 20p11.23.
Variant type: single nucleotide variant.
Coding change: c.1338G>C on transcript NM_018993.4 (MANE Select); coding-DNA position 1338, G replaced by C.
Protein change: p.Arg446=; no amino-acid change (arginine 446 retained).
Molecular consequence: synonymous variant.
Genome position (GRCh38, 1-based): chr20:19,975,363, G>C. VCF-style: chr20-19975363-G-C. GRCh37 (hg19) VCF-style: chr20-19956007-G-C.
Other names: c.1485G>C, p.Arg495= (NM_001242581.2); c.720G>C, p.Arg240= (NM_001378238.1).
Identifiers: ClinVar variation 389384 (VCV000389384.41), dbSNP rs367993633, ClinGen allele CA9780066.
Genomic context (GRCh38, chr20:19,975,363, plus strand): 5'-GCAGCGGCTGAGCGACATGAGCATTTCTACTTCCTCCTCCGACTCGCTGGAGTTCGACCG[G>C]AGCATGCCTCTGTTTGGCTACGAGGCGGACACCAACAGCAGCCTGGAGGACTACGAGGGG-3'
Protein context (NP_061866.1, residues 436-456): TSSSDSLEFD[Arg446=]SMPLFGYEAD

ClinVar aggregate classification (germline): Benign/Likely benign. Review status: criteria provided, multiple submitters, no conflicts (2 of 4 stars). 5 submissions from 5 submitters: Benign (1); Likely benign (3). 1 of the submissions does not count toward it. Last evaluated 2026-07-01.

Conditions:
RIN2-related disorder. Also called: RIN2-related condition.

Allele frequency attached by ClinVar (database versions not stated): 1000 Genomes Project 30x 0.00141; ESP Exome Variant Server 0.00153; TOPMed 0.00153; gnomAD 0.00236 and 0.00243; gnomAD exomes 0.00243 and 0.00254; ExAC 0.00261; 1000 Genomes Project 0.00140.
gnomAD v4.1: 3,882 of 1,613,852 alleles (0.24%); highest among the groups gnomAD compares: Middle Eastern, 0.38%; 15 homozygotes.

Submissions (5):

CeGaT Center for Human Genetics Tuebingen
Classification: Likely benign. Last evaluated: 2026-07-01. Review status: criteria provided, single submitter. Criteria: CeGaT Center For Human Genetics Tuebingen Variant Classification Criteria Version 2. Collection method: clinical testing. Allele origin: germline. Affected: yes. Observed: 5 variant alleles.
Comment: RIN2: BP4, BP7

Labcorp Genetics (formerly Invitae), Labcorp
Classification: Benign. Last evaluated: 2026-02-04. Review status: criteria provided, single submitter. Criteria: Invitae Variant Classification Sherloc (09022015). Collection method: clinical testing. Allele origin: germline.

GeneDx
Classification: Likely benign. Last evaluated: 2021-05-20. Review status: criteria provided, single submitter. Criteria: GeneDx Variant Classification Process June 2021. Collection method: clinical testing. Allele origin: germline. Affected: yes.

Genetic Services Laboratory, University of Chicago
Classification: Likely benign. Last evaluated: 2015-08-26. Review status: criteria provided, single submitter. Criteria: ACMG Guidelines, 2015. Collection method: clinical testing. Allele origin: germline. Affected: no.

PreventionGenetics, part of Exact Sciences
Classification: Benign for RIN2-related condition. Last evaluated: 2023-06-20. Review status: no assertion criteria provided. Collection method: clinical testing. Allele origin: germline. Not counted in ClinVar's aggregate classification.
Comment: This variant is classified as benign based on ACMG/AMP sequence variant interpretation guidelines (Richards et al. 2015 PMID: 25741868, with internal and published modifications).